The following is an entry in ClinVar:

NM_194279.4(ISCA2):c.104G>T (p.Arg35Leu)

Gene: ISCA2 (iron-sulfur cluster assembly 2; plus strand). Cytogenetic location: 14q24.3.
Variant type: single nucleotide variant.
Coding change: c.104G>T on transcript NM_194279.4 (MANE Select); coding-DNA position 104, G replaced by T.
Protein change: p.Arg35Leu; replaces arginine 35 with leucine.
Molecular consequence: missense variant.
Genome position (GRCh38, 1-based): chr14:74,494,082, G>T. VCF-style: chr14-74494082-G-T. GRCh37 (hg19) VCF-style: chr14-74960785-G-T.
Other names: c.104G>T, p.Arg35Leu (NM_001272007.2); short protein forms R35L.
Identifiers: ClinVar variation 3375630 (VCV003375630.1).

ClinVar aggregate classification (germline): Uncertain significance (1 of 4 stars; one submission).

gnomAD v4.1: 1 of 1,556,270 alleles (0.000064%); highest among the groups gnomAD compares: South Asian, 0.0012%; no homozygotes.

Submission:

GeneDx
Classification: Uncertain significance. Last evaluated: 2024-05-09. Review status: criteria provided, single submitter. Criteria: GeneDx Variant Classification Process June 2021. Collection method: clinical testing. Allele origin: germline. Affected: yes.
Comment: Not observed at significant frequency in large population cohorts (gnomAD); In silico analysis supports that this missense variant has a deleterious effect on protein structure/function; Has not been previously published as pathogenic or benign to our knowledge